The following is an entry in ClinVar:

ClinVar aggregate classification (germline): Uncertain significance. Review status: criteria provided, multiple submitters, no conflicts (2 of 4 stars). 2 submissions from 2 submitters: Uncertain significance (2). Last evaluated 2022-06-22.

Conditions:
Cardiomyopathy (CMYO). Also called: Cardiomyopathies. Identifiers: Orphanet 167848, MedGen C0878544, MONDO:0004994, HP:0001638. Inheritance: Various modes of inheritance.
Arrhythmogenic right ventricular dysplasia 10. Also called: Arrhythmogenic Right Ventricular Dysplasia/Cardiomyopathy10; ARRHYTHMOGENIC RIGHT VENTRICULAR DYSPLASIA, FAMILIAL, 10; Arrhythmogenic right ventricular dysplasia/cardiomyopathy, type 10. Identifiers: MedGen C1857777, MONDO:0012434, OMIM 610193.

gnomAD v4.1: 8 of 1,614,172 alleles (0.0005%); highest among the groups gnomAD compares: South Asian, 0.0088%; no homozygotes.

Submissions (2):

Labcorp Genetics (formerly Invitae), Labcorp
Classification: Uncertain significance for Arrhythmogenic right ventricular dysplasia 10. Last evaluated: 2022-06-22. Review status: criteria provided, single submitter. Criteria: Invitae Variant Classification Sherloc (09022015). Collection method: clinical testing. Allele origin: germline.
Comment: In summary, the available evidence is currently insufficient to determine the role of this variant in disease. Therefore, it has been classified as a Variant of Uncertain Significance. Algorithms developed to predict the effect of missense changes on protein structure and function are either unavailable or do not agree on the potential impact of this missense change (SIFT: "Deleterious"; PolyPhen-2: "Benign"; Align-GVGD: "Class C0"). This variant has not been reported in the literature in individuals affected with DSG2-related conditions. This variant is present in population databases (rs748116844, gnomAD 0.01%). This sequence change replaces glutamic acid, which is acidic and polar, with glycine, which is neutral and non-polar, at codon 820 of the DSG2 protein (p.Glu820Gly).

CHEO Genetics Diagnostic Laboratory, Children's Hospital of Eastern Ontario
Classification: Uncertain significance for Cardiomyopathy. Last evaluated: 2021-07-23. Review status: criteria provided, single submitter. Criteria: ACMG Guidelines, 2015. Collection method: clinical testing. Allele origin: germline.

NM_001943.5(DSG2):c.2459A>G (p.Glu820Gly)

Genes: DSG2 (desmoglein 2; plus strand), DSG2-AS1 (DSG2 antisense RNA 1; minus strand). Cytogenetic location: 18q12.1.
Variant type: single nucleotide variant.
Coding change: c.2459A>G on transcript NM_001943.5 (MANE Select); coding-DNA position 2459, A replaced by G.
Protein change: p.Glu820Gly; replaces glutamic acid 820 with glycine.
Molecular consequence: missense variant. On other transcripts: non-coding transcript variant (1).
Genome position (GRCh38, 1-based): chr18:31,545,845, A>G. VCF-style: chr18-31545845-A-G. GRCh37 (hg19) VCF-style: chr18-29125808-A-G.
Other names: short protein forms E820G.
Identifiers: ClinVar variation 1987075 (VCV001987075.6), dbSNP rs748116844, ClinGen allele CA046081.
Genomic context (GRCh38, chr18:31,545,845, plus strand): 5'-CTCAGGAAGAAACTGAATCGCTGAATGCTTCTATTGGTTGTTGCAGTTTTATTGAAGGAG[A>G]GCTAGATGACCGCTTCTTAGATGATTTGGGACTTAAATTCAAGACACTAGCTGAAGTTTG-3'
Protein context (NP_001934.2, residues 810-830): SIGCCSFIEG[Glu820Gly]LDDRFLDDLG